The following is an entry in ClinVar:

NM_001197104.2(KMT2A):c.2885T>A (p.Ile962Lys)

Gene: KMT2A (lysine methyltransferase 2A; plus strand). Cytogenetic location: 11q23.3.
Variant type: single nucleotide variant.
Coding change: c.2885T>A on transcript NM_001197104.2 (MANE Select); coding-DNA position 2885, T replaced by A.
Protein change: p.Ile962Lys; replaces isoleucine 962 with lysine.
Molecular consequence: missense variant.
Genome position (GRCh38, 1-based): chr11:118,474,044, T>A. VCF-style: chr11-118474044-T-A. GRCh37 (hg19) VCF-style: chr11-118344759-T-A.
Other names: c.2885T>A (NM_001197104.1); c.2885T>A, p.Ile962Lys (NM_005933.4); short protein forms I962K.
Identifiers: ClinVar variation 1369359 (VCV001369359.7), dbSNP rs541009116, ClinGen allele CA382818551.

ClinVar aggregate classification (germline): Uncertain significance. Review status: criteria provided, multiple submitters, no conflicts (2 of 4 stars). 2 submissions from 2 submitters: Uncertain significance (2). Last evaluated 2025-04-11.

Conditions:
Inborn genetic diseases. Identifiers: MedGen C0950123, MeSH D030342.

gnomAD v4.1: 8 of 1,613,724 alleles (0.0005%); highest among the groups gnomAD compares: Non-Finnish European, 0.00068%; no homozygotes.

Submissions (2):

Ambry Genetics
Classification: Uncertain significance for Inborn genetic diseases. Last evaluated: 2025-04-11. Review status: criteria provided, single submitter. Criteria: Ambry Variant Classification Scheme 2023. Collection method: clinical testing. Allele origin: germline.

Labcorp Genetics (formerly Invitae), Labcorp
Classification: Uncertain significance. Last evaluated: 2024-08-30. Review status: criteria provided, single submitter. Criteria: Invitae Variant Classification Sherloc (09022015). Collection method: clinical testing. Allele origin: germline.
Comment: This sequence change replaces isoleucine, which is neutral and non-polar, with lysine, which is basic and polar, at codon 962 of the KMT2A protein (p.Ile962Lys). This variant is not present in population databases (gnomAD no frequency). This variant has not been reported in the literature in individuals affected with KMT2A-related conditions. ClinVar contains an entry for this variant (Variation ID: 1369359). Invitae Evidence Modeling of protein sequence and biophysical properties (such as structural, functional, and spatial information, amino acid conservation, physicochemical variation, residue mobility, and thermodynamic stability) indicates that this missense variant is not expected to disrupt KMT2A protein function with a negative predictive value of 95%. In summary, the available evidence is currently insufficient to determine the role of this variant in disease. Therefore, it has been classified as a Variant of Uncertain Significance.